The following is an entry in ClinVar:

ClinVar aggregate classification (germline): Pathogenic/Likely pathogenic. Review status: criteria provided, multiple submitters, no conflicts (2 of 4 stars). 3 submissions from 3 submitters: Pathogenic (1); Likely pathogenic (2). Last evaluated 2025-02-16.

Conditions:
Galactosylceramide beta-galactosidase deficiency. Also called: Krabbe Disease; GALACTOCEREBROSIDASE DEFICIENCY; GALC DEFICIENCY; GLOBOID CELL LEUKOENCEPHALOPATHY; Leukodystrophy, Globoid Cell. Identifiers: Orphanet 487, MedGen C0023521, MONDO:0009499, OMIM 245200.

Allele frequency attached by ClinVar (database versions not stated): ExAC 0.00001; gnomAD exomes 0.00001.
gnomAD v4.1: 3 of 1,610,540 alleles (0.00019%); highest among the groups gnomAD compares: South Asian, 0.0033%; no homozygotes.

Submissions (3):

Labcorp Genetics (formerly Invitae), Labcorp
Classification: Pathogenic for Galactosylceramide beta-galactosidase deficiency. Last evaluated: 2025-02-16. Review status: criteria provided, single submitter. Criteria: Invitae Variant Classification Sherloc (09022015). Collection method: clinical testing. Allele origin: germline.
Comment: This sequence change replaces glycine, which is neutral and non-polar, with arginine, which is basic and polar, at codon 620 of the GALC protein (p.Gly620Arg). This variant is present in population databases (rs779864190, gnomAD 0.006%). This missense change has been observed in individual(s) with Krabbe disease (PMID: 31240153). ClinVar contains an entry for this variant (Variation ID: 1210861). Invitae Evidence Modeling of protein sequence and biophysical properties (such as structural, functional, and spatial information, amino acid conservation, physicochemical variation, residue mobility, and thermodynamic stability) indicates that this missense variant is expected to disrupt GALC protein function with a positive predictive value of 95%. For these reasons, this variant has been classified as Pathogenic.

Natera, Inc.
Classification: Likely pathogenic for Galactosylceramide beta-galactosidase deficiency. Last evaluated: 2024-04-25. Review status: criteria provided, single submitter. Criteria: Natera Variant Classification Schema (03/2026). Collection method: clinical testing. Allele origin: germline.
Comment: The c.1858G>A variant in GALC is a missense variant predicted to cause substitution of glycine to arginine at amino acid 620. This variant is rare in the general population with a frequency below the threshold expected for the associated phenotype(s). This variant has been observed in one or more individuals affected with the associated recessive disease, as either homozygous or compound heterozygous with a second variant (PMID: 31240153). This variant has been observed to segregate in affected family members (PMID: 31240153). This variant has been identified in one or more affected individual with a phenotype highly consistent with the associated gene (PMID: 31240153). Computational prediction algorithms indicate this variant is likely to affect gene or protein function. Given the available evidence, this variant is classified as Likely Pathogenic.

GeneDx
Classification: Likely pathogenic. Last evaluated: 2019-07-01. Review status: criteria provided, single submitter. Criteria: GeneDx Variant Classification Process June 2021. Collection method: clinical testing. Allele origin: germline. Affected: yes.
Comment: Not observed at a significant frequency in large population cohorts (Lek et al., 2016); In silico analysis, which includes protein predictors and evolutionary conservation, supports a deleterious effect; This variant is associated with the following publications: (PMID: 31240153)

Literature cited by the submitters: PubMed 31240153 (cited by Labcorp Genetics (formerly Invitae), Labcorp and Natera, Inc.).

NM_000153.4(GALC):c.1858G>A (p.Gly620Arg)

Gene: GALC (galactosylceramidase; minus strand). Cytogenetic location: 14q31.3.
Variant type: single nucleotide variant.
Coding change: c.1858G>A on transcript NM_000153.4 (MANE Select); coding-DNA position 1858, G replaced by A.
Protein change: p.Gly620Arg; replaces glycine 620 with arginine.
Molecular consequence: missense variant.
Genome position (GRCh38, 1-based): chr14:87,939,958, C>T on the plus strand (G>A on the coding strand, the complement: GALC is on the minus strand). VCF-style: chr14-87939958-C-T. GRCh37 (hg19) VCF-style: chr14-88406302-C-T.
Other names: c.1789G>A, p.Gly597Arg (NM_001201401.2); c.1780G>A, p.Gly594Arg (NM_001201402.2); short protein forms G594R, G597R, G620R.
Identifiers: ClinVar variation 1210861 (VCV001210861.8), dbSNP rs779864190, ClinGen allele CA7296890.